The following is an entry in ClinVar:

NM_006859.4(LIAS):c.988T>C (p.Tyr330His)

Gene: LIAS (lipoic acid synthetase; plus strand). Cytogenetic location: 4p14.
Variant type: single nucleotide variant.
Coding change: c.988T>C on transcript NM_006859.4 (MANE Select); coding-DNA position 988, T replaced by C.
Protein change: p.Tyr330His; replaces tyrosine 330 with histidine.
Molecular consequence: missense variant. On other transcripts: intron variant (1).
Genome position (GRCh38, 1-based): chr4:39,473,133, T>C. VCF-style: chr4-39473133-T-C. GRCh37 (hg19) VCF-style: chr4-39474753-T-C.
Other names: c.988T>C (NM_006859.2); c.859T>C, p.Tyr287His (NM_001278590.2); c.679T>C, p.Tyr227His (NM_001363700.2); c.954+1827T>C (NM_194451.3); short protein forms Y287H, Y227H, Y330H.
Identifiers: ClinVar variation 1046322 (VCV001046322.9), dbSNP rs1481336454, ClinGen allele CA356665702.

ClinVar aggregate classification (germline): Uncertain significance. Review status: criteria provided, multiple submitters, no conflicts (2 of 4 stars). 2 submissions from 2 submitters: Uncertain significance (2). Last evaluated 2024-11-22.

Conditions:
Lipoic acid synthetase deficiency. Also called: HYPERGLYCINEMIA, LACTIC ACIDOSIS, AND SEIZURES. Identifiers: Orphanet 401859, MedGen C3280887, MONDO:0013762, OMIM 614462.

Allele frequency attached by ClinVar (database versions not stated): gnomAD exomes below 0.00001; gnomAD 0.00001; TOPMed 0.00001.
gnomAD v4.1: 6 of 1,610,046 alleles (0.00037%); highest among the groups gnomAD compares: African/African-American, 0.0013%; no homozygotes.

Submissions (2):

GeneDx
Classification: Uncertain significance. Last evaluated: 2024-11-22. Review status: criteria provided, single submitter. Criteria: GeneDx Variant Classification Process June 2021. Collection method: clinical testing. Allele origin: germline. Affected: yes.
Comment: Not observed at significant frequency in large population cohorts (gnomAD); In silico analysis indicates that this missense variant does not alter protein structure/function; Has not been previously published as pathogenic or benign to our knowledge

Labcorp Genetics (formerly Invitae), Labcorp
Classification: Uncertain significance for Lipoic acid synthetase deficiency. Last evaluated: 2020-06-14. Review status: criteria provided, single submitter. Criteria: Invitae Variant Classification Sherloc (09022015). Collection method: clinical testing. Allele origin: germline.
Comment: In summary, the available evidence is currently insufficient to determine the role of this variant in disease. Therefore, it has been classified as a Variant of Uncertain Significance. Algorithms developed to predict the effect of missense changes on protein structure and function output the following: SIFT: "Tolerated"; PolyPhen-2: "Benign"; Align-GVGD: "Class C0". The histidine amino acid residue is found in multiple mammalian species, suggesting that this missense change does not adversely affect protein function. These predictions have not been confirmed by published functional studies and their clinical significance is uncertain. This variant has not been reported in the literature in individuals with LIAS-related conditions. This variant is not present in population databases (ExAC no frequency). This sequence change replaces tyrosine with histidine at codon 330 of the LIAS protein (p.Tyr330His). The tyrosine residue is highly conserved and there is a moderate physicochemical difference between tyrosine and histidine.